The following is an entry in ClinVar:

NM_177438.3(DICER1):c.200del (p.Gly67fs)

Gene: DICER1 (dicer 1, ribonuclease III; minus strand). Cytogenetic location: 14q32.13.
Variant type: Deletion.
Coding change: c.200del on transcript NM_177438.3 (MANE Select); coding-DNA position 200, one base deleted (G; older notation c.200delG).
Protein change: p.Gly67fs; shifts the reading frame from glycine 67.
Molecular consequence: frameshift variant.
Genome position (GRCh38, 1-based): chr14:95,132,622, C deleted on the plus strand (G on the coding strand, the reverse complement: DICER1 is on the minus strand); the first of 2 consecutive C bases (chr14:95,132,622-95,132,623); deleting either gives the same sequence. VCF-style (leftmost placement, unchanged base first): chr14-95132621-GC-G. GRCh37 (hg19) VCF-style: chr14-95598958-GC-G.
Other names: c.200del, p.Gly67fs (NM_001195573.1, NM_001271282.3, NM_001291628.2 and 1 more transcripts); short protein forms G67fs.
Identifiers: ClinVar variation 858162 (VCV000858162.9), dbSNP rs1894049306, ClinGen allele CA916081726.

ClinVar aggregate classification (germline): Pathogenic (1 of 4 stars; one submission).

Conditions:
DICER1-related tumor predisposition. Also called: DICER1 syndrome; DICER1-related pleuropulmonary blastoma cancer predisposition syndrome. Identifiers: Orphanet 284343, MedGen C3839822, MONDO:0100216.

Submission:

Labcorp Genetics (formerly Invitae), Labcorp
Classification: Pathogenic for DICER1-related tumor predisposition. Last evaluated: 2019-05-27. Review status: criteria provided, single submitter. Criteria: Invitae Variant Classification Sherloc (09022015). Collection method: clinical testing. Allele origin: germline.
Comment: This sequence change creates a premature translational stop signal (p.Gly67Alafs*61) in the DICER1 gene. It is expected to result in an absent or disrupted protein product. This variant is not present in population databases (ExAC no frequency). This variant has not been reported in the literature in individuals with DICER1-related conditions. Loss-of-function variants in DICER1 are known to be pathogenic (PMID: 19556464, 21266384). For these reasons, this variant has been classified as Pathogenic.

Literature cited by the submitters: PubMed 19556464; PubMed 21266384.